The following is an entry in ClinVar:

NM_001366722.1(GRIP1):c.643A>G (p.Thr215Ala)

Gene: GRIP1 (glutamate receptor interacting protein 1; minus strand). Cytogenetic location: 12q14.3.
Variant type: single nucleotide variant.
Coding change: c.643A>G on transcript NM_001366722.1 (MANE Select); coding-DNA position 643, A replaced by G.
Protein change: p.Thr215Ala; replaces threonine 215 with alanine.
Molecular consequence: missense variant.
Genome position (GRCh38, 1-based): chr12:66,515,700, T>C on the plus strand (A>G on the coding strand, the complement: GRIP1 is on the minus strand). VCF-style: chr12-66515700-T-C. GRCh37 (hg19) VCF-style: chr12-66909480-T-C.
Other names: c.643A>G, p.Thr215Ala (NM_001178074.2, NM_001379346.1, NM_021150.4); c.721A>G, p.Thr241Ala (NM_001366723.1, NM_001366724.1, NM_001379345.1 and 2 more transcripts); c.646A>G, p.Thr216Ala (NM_001379349.1, NM_001379351.1); short protein forms T215A, T216A, T241A.
Identifiers: ClinVar variation 3051360 (VCV003051360.2), dbSNP rs375176155, ClinGen allele CA6674574.

ClinVar aggregate classification (germline): Likely benign (0 of 4 stars; one submission).

Conditions:
GRIP1-related disorder. Also called: GRIP1-related condition.

Allele frequency attached by ClinVar (database versions not stated): gnomAD exomes 0.00006; ExAC 0.00015; 1000 Genomes Project 0.00040; 1000 Genomes Project 30x 0.00047; gnomAD 0.00062; ESP Exome Variant Server 0.00065; TOPMed 0.00068.
gnomAD v4.1: 185 of 1,613,560 alleles (0.011%); highest among the groups gnomAD compares: African/African-American, 0.22%; no homozygotes.

Submission:

PreventionGenetics, part of Exact Sciences
Classification: Likely benign for GRIP1-related condition. Last evaluated: 2022-09-28. Review status: no assertion criteria provided. Collection method: clinical testing. Allele origin: germline.
Comment: This variant is classified as likely benign based on ACMG/AMP sequence variant interpretation guidelines (Richards et al. 2015 PMID: 25741868, with internal and published modifications).